The following is an entry in ClinVar:

ClinVar aggregate classification (germline): Conflicting classifications of pathogenicity. Review status: criteria provided, conflicting classifications (1 of 4 stars). 5 submissions from 5 submitters: Uncertain significance (2); Likely benign (2). 1 of the submissions does not count toward it. Last evaluated 2026-04-09.

Conditions:
Cardiovascular phenotype. Identifiers: MedGen CN230736.
Long QT syndrome (LQTS). Identifiers: MedGen C0023976, MeSH D008133, MONDO:0002442. Disease mechanism: loss of function. Inheritance: Various modes of inheritance.

Allele frequency attached by ClinVar (database versions not stated): TOPMed 0.00003; ExAC 0.00004; gnomAD 0.00005; gnomAD exomes 0.00007 and 0.00008.

Submissions (5):

Petrovsky National Research Centre of Surgery, The Federal Agency for Scientific Organizations
Classification: Uncertain significance for Long QT syndrome. Last evaluated: 2026-04-09. Review status: criteria provided, single submitter. Criteria: ACMG Guidelines, 2015. Collection method: clinical testing. Allele origin: germline. Affected: yes. Observed: 1 variant allele.
Comment: The variant is in The Genome Aggregation Database (gnomAD) v4.1.0 with total 6.953e-05. (Date of access 2026-04-09). In accordance with ACMG (2015) criteria this variant is classified as Uncertain significance with following criteria selected: PM2, PP3, PS3_Supporting.

GeneDx
Classification: Uncertain significance. Last evaluated: 2025-12-12. Review status: criteria provided, single submitter. Criteria: GeneDx Variant Classification Process June 2021. Collection method: clinical testing. Allele origin: germline. Affected: yes.
Comment: In silico analysis supports that this missense variant has a deleterious effect on protein structure/function; Published functional studies are inconsistent in their conclusions as to whether or not the p.(G247R) variant impacts channel function (PMID: 24420545, 17967416, 34957562); This variant is associated with the following publications: (PMID: 17967416, 24420545, 30847666, 38375940, 34957562, 35525275, 38781451)

Labcorp Genetics (formerly Invitae), Labcorp
Classification: Likely benign for Long QT syndrome. Last evaluated: 2024-03-21. Review status: criteria provided, single submitter. Criteria: Invitae Variant Classification Sherloc (09022015). Collection method: clinical testing. Allele origin: germline.

Ambry Genetics
Classification: Likely benign for Cardiovascular phenotype. Last evaluated: 2020-08-19. Review status: criteria provided, single submitter. Criteria: Ambry Variant Classification Scheme 2023. Collection method: clinical testing. Allele origin: germline.

OMIM
Classification: Uncertain significance for VARIANT OF UNKNOWN SIGNIFICANCE. Last evaluated: 2014-04-01. Review status: no assertion criteria provided. Collection method: literature only. Allele origin: germline. Not counted in ClinVar's aggregate classification.

Literature cited by the submitters: PubMed 17967416 (cited by Ambry Genetics and OMIM); PubMed 24420545 (cited by Ambry Genetics and OMIM).

NM_000890.5(KCNJ5):c.739G>A (p.Gly247Arg)

Gene: KCNJ5 (potassium inwardly rectifying channel subfamily J member 5; plus strand). Cytogenetic location: 11q24.3.
Variant type: single nucleotide variant.
Coding change: c.739G>A on transcript NM_000890.5 (MANE Select); coding-DNA position 739, G replaced by A.
Protein change: p.Gly247Arg; replaces glycine 247 with arginine.
Molecular consequence: missense variant.
Genome position (GRCh38, 1-based): chr11:128,912,012, G>A. VCF-style: chr11-128912012-G-A. GRCh37 (hg19) VCF-style: chr11-128781907-G-A.
Other names: KCNJ5, GLY247ARG (rs200170681); c.739G>A, p.Gly247Arg (NM_001354169.2); c.739G>A (LRG_333t1); short protein forms G247R.
Identifiers: ClinVar variation 135677 (VCV000135677.17), dbSNP rs200170681, ClinGen allele CA232429.